The following is an entry in ClinVar:

ClinVar aggregate classification (germline): Likely benign (0 of 4 stars; one submission).

Conditions:
SLCO2A1-related disorder. Also called: SLCO2A1-related condition.

Allele frequency attached by ClinVar (database versions not stated): gnomAD 0.00004; gnomAD exomes 0.00004; TOPMed 0.00005; ExAC 0.00008.
gnomAD v4.1: 70 of 1,613,950 alleles (0.0043%); highest among the groups gnomAD compares: South Asian, 0.012%; no homozygotes.

Submission:

PreventionGenetics, part of Exact Sciences
Classification: Likely benign for SLCO2A1-related condition. Last evaluated: 2019-02-21. Review status: no assertion criteria provided. Collection method: clinical testing. Allele origin: germline.
Comment: This variant is classified as likely benign based on ACMG/AMP sequence variant interpretation guidelines (Richards et al. 2015 PMID: 25741868, with internal and published modifications).

NM_005630.3(SLCO2A1):c.1278C>T (p.Ala426=)

Gene: SLCO2A1 (solute carrier organic anion transporter family member 2A1; minus strand). Cytogenetic location: 3q22.1.
Variant type: single nucleotide variant.
Coding change: c.1278C>T on transcript NM_005630.3 (MANE Select); coding-DNA position 1278, C replaced by T.
Protein change: p.Ala426=; no amino-acid change (alanine 426 retained).
Molecular consequence: synonymous variant.
Genome position (GRCh38, 1-based): chr3:133,947,273, G>A on the plus strand (C>T on the coding strand, the complement: SLCO2A1 is on the minus strand). VCF-style: chr3-133947273-G-A. GRCh37 (hg19) VCF-style: chr3-133666117-G-A.
Identifiers: ClinVar variation 3050272 (VCV003050272.2), dbSNP rs746875740, ClinGen allele CA2626532.
Genomic context (GRCh38, chr3:133,947,273, plus strand): 5'-TGGCCTTATTAAAGGGGATCTCTCTACCCCTTATTCCCATTACCTAGGGGGGTAGACTTC[G>A]GCCACAGTTGGGGTGGAGCATCCCATGAAGAACAAAGGAACACAAAGGATCATGGAGATG-3'
Protein context (NP_005621.2, residues 416-436): FFMGCSTPTV[Ala426=]EVYPPSTSSS